The following is an entry in ClinVar:

NM_002242.4(KCNJ13):c.474G>T (p.Ala158=)

Genes: GIGYF2 (GRB10 interacting GYF protein 2; plus strand), KCNJ13 (potassium inwardly rectifying channel subfamily J member 13; minus strand). Cytogenetic location: 2q37.1.
Variant type: single nucleotide variant.
Coding change: c.474G>T on transcript NM_002242.4 (MANE Select); coding-DNA position 474, G replaced by T.
Protein change: p.Ala158=; no amino-acid change (alanine 158 retained).
Molecular consequence: synonymous variant. On other transcripts: nonsense (1), intron variant (4).
Genome position (GRCh38, 1-based): chr2:232,768,800, C>A on the plus strand (G>T on the coding strand, the complement: KCNJ13 is on the minus strand). VCF-style: chr2-232768800-C-A. GRCh37 (hg19) VCF-style: chr2-233633510-C-A.
Other names: c.238G>T, p.Glu80Ter (NM_001172416.1); c.234G>T, p.Ala78= (NM_001172417.1); c.532+7364C>A (NM_001103146.3, NM_015575.4, NM_001103147.2 and 1 more transcripts); short protein forms E80*.
Identifiers: ClinVar variation 1162099 (VCV001162099.34), dbSNP rs769501717, ClinGen allele CA2170026.

ClinVar aggregate classification (germline): Conflicting classifications of pathogenicity. Review status: criteria provided, conflicting classifications (1 of 4 stars). 4 submissions from 4 submitters: Uncertain significance (1); Likely benign (3). Last evaluated 2024-02-24.

gnomAD v4.1: 69 of 1,604,118 alleles (0.0043%); highest among the groups gnomAD compares: Non-Finnish European, 0.0057%; no homozygotes.

Submissions (4):

Labcorp Genetics (formerly Invitae), Labcorp
Classification: Likely benign. Last evaluated: 2024-02-24. Review status: criteria provided, single submitter. Criteria: Invitae Variant Classification Sherloc (09022015). Collection method: clinical testing. Allele origin: germline.

CeGaT Center for Human Genetics Tuebingen
Classification: Uncertain significance. Last evaluated: 2023-12-01. Review status: criteria provided, single submitter. Criteria: CeGaT Center For Human Genetics Tuebingen Variant Classification Criteria Version 2. Collection method: clinical testing. Allele origin: germline. Affected: yes. Observed: 1 variant allele.
Comment: KCNJ13: PM2

Ambry Genetics
Classification: Likely benign. Last evaluated: 2023-10-02. Review status: criteria provided, single submitter. Criteria: Ambry Variant Classification Scheme 2023. Collection method: clinical testing. Allele origin: germline.

Blueprint Genetics
Classification: Likely benign. Last evaluated: 2022-11-14. Review status: criteria provided, single submitter. Criteria: ACMG Guidelines, 2015. Collection method: clinical testing. Allele origin: germline.